The following is an entry in ClinVar:

ClinVar aggregate classification (germline): Uncertain significance. Review status: criteria provided, multiple submitters, no conflicts (2 of 4 stars). 2 submissions from 2 submitters: Uncertain significance (2). Last evaluated 2025-06-09.

Conditions:
Hereditary nonpolyposis colorectal neoplasms. Identifiers: MedGen C0009405, MeSH D003123.
Hereditary cancer-predisposing syndrome. Also called: Hereditary neoplastic syndrome; Tumor predisposition; Neoplastic Syndromes, Hereditary; Hereditary Cancer Syndrome. Identifiers: Orphanet 140162, MedGen C0027672, MeSH D009386, MONDO:0015356.

Submissions (2):

Labcorp Genetics (formerly Invitae), Labcorp
Classification: Uncertain significance for Hereditary nonpolyposis colorectal neoplasms. Last evaluated: 2025-06-09. Review status: criteria provided, single submitter. Criteria: Invitae Variant Classification Sherloc (09022015). Collection method: clinical testing. Allele origin: germline.
Comment: This sequence change replaces leucine, which is neutral and non-polar, with phenylalanine, which is neutral and non-polar, at codon 540 of the MSH6 protein (p.Leu540Phe). This variant is not present in population databases (gnomAD no frequency). This variant has not been reported in the literature in individuals affected with MSH6-related conditions. ClinVar contains an entry for this variant (Variation ID: 569838). Invitae Evidence Modeling of protein sequence and biophysical properties (such as structural, functional, and spatial information, amino acid conservation, physicochemical variation, residue mobility, and thermodynamic stability) has been performed for this missense variant. However, the output from this modeling did not meet the statistical confidence thresholds required to predict the impact of this variant on MSH6 protein function. In summary, the available evidence is currently insufficient to determine the role of this variant in disease. Therefore, it has been classified as a Variant of Uncertain Significance.

Ambry Genetics
Classification: Uncertain significance for Hereditary cancer-predisposing syndrome. Last evaluated: 2023-06-08. Review status: criteria provided, single submitter. Criteria: Ambry Variant Classification Scheme 2023. Collection method: clinical testing. Allele origin: germline.
Comment: The p.L540F variant (also known as c.1618C>T), located in coding exon 4 of the MSH6 gene, results from a C to T substitution at nucleotide position 1618. The leucine at codon 540 is replaced by phenylalanine, an amino acid with highly similar properties. This amino acid position is highly conserved in available vertebrate species. In addition, this alteration is predicted to be deleterious by in silico analysis. Since supporting evidence is limited at this time, the clinical significance of this alteration remains unclear.

NM_000179.3(MSH6):c.1618C>T (p.Leu540Phe)

Gene: MSH6 (mutS homolog 6; plus strand). Cytogenetic location: 2p16.3.
Variant type: single nucleotide variant.
Coding change: c.1618C>T on transcript NM_000179.3 (MANE Select); coding-DNA position 1618, C replaced by T.
Protein change: p.Leu540Phe; replaces leucine 540 with phenylalanine.
Molecular consequence: missense variant.
Genome position (GRCh38, 1-based): chr2:47,799,601, C>T. VCF-style: chr2-47799601-C-T. GRCh37 (hg19) VCF-style: chr2-48026740-C-T.
Other names: c.1228C>T, p.Leu410Phe (NM_001281492.2); c.712C>T, p.Leu238Phe (NM_001281493.2, NM_001281494.2); short protein forms L540F, L410F, L238F.
Identifiers: ClinVar variation 569838 (VCV000569838.11), dbSNP rs201996928, ClinGen allele CA346747054.